The following is an entry in ClinVar:

ClinVar aggregate classification (germline): Uncertain significance (1 of 4 stars; one submission).

gnomAD v4.1: 3 of 1,613,352 alleles (0.00019%); highest among the groups gnomAD compares: East Asian, 0.0067%; no homozygotes.

Submission:

GeneDx
Classification: Uncertain significance. Last evaluated: 2024-10-03. Review status: criteria provided, single submitter. Criteria: GeneDx Variant Classification Process June 2021. Collection method: clinical testing. Allele origin: germline. Affected: yes.
Comment: In silico analysis supports that this missense variant has a deleterious effect on protein structure/function; Has not been previously published as pathogenic or benign to our knowledge

NM_001145809.2(MYH14):c.2390G>A (p.Gly797Asp)

Gene: MYH14 (myosin heavy chain 14; plus strand). Cytogenetic location: 19q13.33.
Variant type: single nucleotide variant.
Coding change: c.2390G>A on transcript NM_001145809.2 (MANE Select); coding-DNA position 2390, G replaced by A.
Protein change: p.Gly797Asp; replaces glycine 797 with aspartic acid.
Molecular consequence: missense variant.
Genome position (GRCh38, 1-based): chr19:50,260,681, G>A. VCF-style: chr19-50260681-G-A. GRCh37 (hg19) VCF-style: chr19-50763938-G-A.
Other names: c.2291G>A, p.Gly764Asp (NM_001077186.2); c.2267G>A, p.Gly756Asp (NM_024729.4); short protein forms G756D, G764D, G797D.
Identifiers: ClinVar variation 3776475 (VCV003776475.1).